The following is an entry in ClinVar:

ClinVar aggregate classification (germline): Conflicting classifications of pathogenicity. Review status: criteria provided, conflicting classifications (1 of 4 stars). 5 submissions from 5 submitters: Uncertain significance (1); Likely benign (3). 1 of the submissions does not count toward it. Last evaluated 2026-01-24.

Conditions:
Leber congenital amaurosis 5 (LCA5). Also called: Amaurosis congenita of Leber, type 5. Identifiers: Orphanet 65, MedGen C1858301, MONDO:0011473, OMIM 604537.
Leber congenital amaurosis (LCA). Also called: Leber's amaurosis. Identifiers: Orphanet 65, MedGen C0339527, MeSH D057130, MONDO:0018998.

Allele frequency attached by ClinVar (database versions not stated): gnomAD 0.00014 and 0.00015; ESP Exome Variant Server 0.00015; TOPMed 0.00015; ExAC 0.00018; gnomAD exomes 0.00018; 1000 Genomes Project 0.00040; 1000 Genomes Project 30x 0.00047.
gnomAD v4.1: 354 of 1,613,028 alleles (0.022%); highest among the groups gnomAD compares: Middle Eastern, 0.033%; no homozygotes.

Submissions (5):

Labcorp Genetics (formerly Invitae), Labcorp
Classification: Likely benign. Last evaluated: 2026-01-24. Review status: criteria provided, single submitter. Criteria: Invitae Variant Classification Sherloc (09022015). Collection method: clinical testing. Allele origin: germline.

CeGaT Center for Human Genetics Tuebingen
Classification: Likely benign. Last evaluated: 2024-12-01. Review status: criteria provided, single submitter. Criteria: CeGaT Center For Human Genetics Tuebingen Variant Classification Criteria Version 2. Collection method: clinical testing. Allele origin: germline. Affected: yes. Observed: 1 variant allele.
Comment: LCA5: BP4, BP7

Blueprint Genetics
Classification: Likely benign. Last evaluated: 2024-10-31. Review status: criteria provided, single submitter. Criteria: ACMG Guidelines, 2015. Collection method: clinical testing. Allele origin: germline.

Illumina Laboratory Services, Illumina
Classification: Uncertain significance for Leber congenital amaurosis 5. Last evaluated: 2018-01-13. Review status: criteria provided, single submitter. Criteria: ICSL Variant Classification Criteria 13 December 2019. Collection method: clinical testing. Allele origin: germline.

Natera, Inc.
Classification: Likely benign for Leber congenital amaurosis. Last evaluated: 2020-05-31. Review status: no assertion criteria provided. Collection method: clinical testing. Allele origin: germline. Not counted in ClinVar's aggregate classification.

NM_001122769.3(LCA5):c.1746C>T (p.Asn582=)

Gene: LCA5 (lebercilin LCA5; minus strand). Cytogenetic location: 6q14.1.
Variant type: single nucleotide variant.
Coding change: c.1746C>T on transcript NM_001122769.3 (MANE Select); coding-DNA position 1746, C replaced by T.
Protein change: p.Asn582=; no amino-acid change (asparagine 582 retained).
Molecular consequence: synonymous variant.
Genome position (GRCh38, 1-based): chr6:79,487,352, G>A on the plus strand (C>T on the coding strand, the complement: LCA5 is on the minus strand). VCF-style: chr6-79487352-G-A. GRCh37 (hg19) VCF-style: chr6-80197069-G-A.
Other names: c.1746C>T, p.Asn582= (NM_181714.4).
Identifiers: ClinVar variation 358091 (VCV000358091.30), dbSNP rs183011135, ClinGen allele CA3900782.